The following is an entry in ClinVar:

ClinVar aggregate classification (germline): Uncertain significance. Review status: criteria provided, multiple submitters, no conflicts (2 of 4 stars). 2 submissions from 2 submitters: Uncertain significance (2). Last evaluated 2026-03-26.

Conditions:
Inborn genetic diseases. Identifiers: MedGen C0950123, MeSH D030342.

gnomAD v4.1: 4 of 1,421,972 alleles (0.00028%); highest among the groups gnomAD compares: Admixed American, 0.012%; no homozygotes.

Submissions (2):

GeneDx
Classification: Uncertain significance. Last evaluated: 2026-03-26. Review status: criteria provided, single submitter. Criteria: GeneDx Variant Classification Process June 2021. Collection method: clinical testing. Allele origin: germline.
Comment: Not observed at significant frequency in large population cohorts (gnomAD); In silico analysis supports that this missense variant has a deleterious effect on protein structure/function; Has not been previously published as pathogenic or benign to our knowledge

Ambry Genetics
Classification: Uncertain significance for Inborn genetic diseases. Last evaluated: 2025-01-10. Review status: criteria provided, single submitter. Criteria: Ambry Variant Classification Scheme 2023. Collection method: clinical testing. Allele origin: germline.

NM_020971.3(SPTBN4):c.2237A>C (p.Glu746Ala)

Gene: SPTBN4 (spectrin beta, non-erythrocytic 4; plus strand). Cytogenetic location: 19q13.2.
Variant type: single nucleotide variant.
Coding change: c.2237A>C on transcript NM_020971.3 (MANE Select); coding-DNA position 2237, A replaced by C.
Protein change: p.Glu746Ala; replaces glutamic acid 746 with alanine.
Molecular consequence: missense variant.
Genome position (GRCh38, 1-based): chr19:40,513,026, A>C. VCF-style: chr19-40513026-A-C. GRCh37 (hg19) VCF-style: chr19-41018933-A-C.
Other names: short protein forms E746A.
Identifiers: ClinVar variation 3801115 (VCV003801115.2).